The following is an entry in ClinVar:

NM_007194.4(CHEK2):c.962A>T (p.Glu321Val)

Gene: CHEK2 (checkpoint kinase 2; minus strand). Cytogenetic location: 22q12.1.
Variant type: single nucleotide variant.
Coding change: c.962A>T on transcript NM_007194.4 (MANE Select); coding-DNA position 962, A replaced by T.
Protein change: p.Glu321Val; replaces glutamic acid 321 with valine.
Molecular consequence: missense variant.
Genome position (GRCh38, 1-based): chr22:28,699,884, T>A on the plus strand (A>T on the coding strand, the complement: CHEK2 is on the minus strand). VCF-style: chr22-28699884-T-A. GRCh37 (hg19) VCF-style: chr22-29095872-T-A.
Other names: c.1091A>T, p.Glu364Val (NM_001005735.3, NM_001438294.1); c.299A>T, p.Glu100Val (NM_001257387.3, NM_001437942.1); c.761A>T, p.Glu254Val (NM_001349956.3); c.1055A>T, p.Glu352Val (NM_001438293.1, NM_001438295.1); c.962A>T, p.Glu321Val (NM_145862.3); short protein forms E100V, E254V, E321V, E352V, E364V.
Identifiers: ClinVar variation 4798103 (VCV004798103.1).

ClinVar aggregate classification (germline): Uncertain significance (1 of 4 stars; one submission).

Conditions:
Familial cancer of breast. Also called: BREAST CANCER, FAMILIAL; Hereditary breast cancer; hereditary breast carcinoma. Identifiers: Orphanet 227535, MedGen C0346153, MONDO:0016419, OMIM 114480. Disease mechanism: loss of function.

Submission:

Labcorp Genetics (formerly Invitae), Labcorp
Classification: Uncertain significance for Familial cancer of breast. Last evaluated: 2025-04-13. Review status: criteria provided, single submitter. Criteria: Invitae Variant Classification Sherloc (09022015). Collection method: clinical testing. Allele origin: germline.
Comment: This sequence change replaces glutamic acid, which is acidic and polar, with valine, which is neutral and non-polar, at codon 321 of the CHEK2 protein (p.Glu321Val). This variant is not present in population databases (gnomAD no frequency). This variant has not been reported in the literature in individuals affected with CHEK2-related conditions. An algorithm developed to predict the effect of missense changes on protein structure and function (PolyPhen-2) suggests that this variant is likely to be disruptive. In summary, the available evidence is currently insufficient to determine the role of this variant in disease. Therefore, it has been classified as a Variant of Uncertain Significance.